The following is an entry in ClinVar:

ClinVar aggregate classification (germline): Uncertain significance (1 of 4 stars; one submission).

gnomAD v4.1: 2 of 1,607,370 alleles (0.00012%); highest among the groups gnomAD compares: Non-Finnish European, 0.000085%; no homozygotes.

Submission:

GeneDx
Classification: Uncertain significance. Last evaluated: 2025-06-06. Review status: criteria provided, single submitter. Criteria: GeneDx Variant Classification Process June 2021. Collection method: clinical testing. Allele origin: germline. Affected: yes.
Comment: Not observed at significant frequency in large population cohorts (gnomAD); In silico analysis is inconclusive as to whether the variant alters gene splicing. In the absence of RNA/functional studies, the actual effect of this sequence change is unknown.; Has not been previously published as pathogenic or benign to our knowledge; Located in a regulatory region; in the absence of functional studies, the actual effect of this sequence change is unknown

NM_002691.4(POLD1):c.-1-12C>G

Gene: POLD1 (DNA polymerase delta 1, catalytic subunit; plus strand). Cytogenetic location: 19q13.33.
Variant type: single nucleotide variant.
Coding change: c.-1-12C>G on transcript NM_002691.4 (MANE Select); 12 bases into the intron before 1 bases upstream of the start codon, C replaced by G.
Molecular consequence: intron variant.
Genome position (GRCh38, 1-based): chr19:50,398,839, C>G. VCF-style: chr19-50398839-C-G. GRCh37 (hg19) VCF-style: chr19-50902096-C-G.
Other names: c.-4-9C>G (NM_001256849.1).
Identifiers: ClinVar variation 1343081 (VCV001343081.4), dbSNP rs778338383, ClinGen allele CA9595578.